The following is an entry in ClinVar:

NM_170606.3(KMT2C):c.8000C>T (p.Pro2667Leu)

Gene: KMT2C (lysine methyltransferase 2C; minus strand). Cytogenetic location: 7q36.1.
Variant type: single nucleotide variant.
Coding change: c.8000C>T on transcript NM_170606.3 (MANE Select); coding-DNA position 8000, C replaced by T.
Protein change: p.Pro2667Leu; replaces proline 2667 with leucine.
Molecular consequence: missense variant.
Genome position (GRCh38, 1-based): chr7:152,177,453, G>A on the plus strand (C>T on the coding strand, the complement: KMT2C is on the minus strand). VCF-style: chr7-152177453-G-A. GRCh37 (hg19) VCF-style: chr7-151874538-G-A.
Other names: short protein forms P2667L.
Identifiers: ClinVar variation 4623087 (VCV004623087.2).
Genomic context (GRCh38, chr7:152,177,453, plus strand): 5'-TCCTCTAGACCATCAGAAGGCTGGGTGGTTATCTGTAAATTATCAGACGTTGTTTCAGAC[G>A]GTACAGATGTTGACAAAGGAGCTTCTGAAAATTCACCACCTAGTGGATGGTTCAGAGTCC-3'
Protein context (NP_733751.2, residues 2657-2677): FSEAPLSTSV[Pro2667Leu]SETTSDNLQI

ClinVar aggregate classification (germline): Uncertain significance. Review status: criteria provided, multiple submitters, no conflicts (2 of 4 stars). 2 submissions from 2 submitters: Uncertain significance (2). Last evaluated 2026-03-12.

Conditions:
Inborn genetic diseases. Identifiers: MedGen C0950123, MeSH D030342.

gnomAD v4.1: 17 of 1,613,992 alleles (0.0011%); highest among the groups gnomAD compares: South Asian, 0.0066%; no homozygotes.

Submissions (2):

Women's Health and Genetics/Laboratory Corporation of America, LabCorp
Classification: Uncertain significance. Last evaluated: 2026-03-12. Review status: criteria provided, single submitter. Criteria: LabCorp Variant Classification Summary - May 2015. Collection method: clinical testing. Allele origin: germline.
Comment: Variant summary: KMT2C c.8000C>T (p.Pro2667Leu) results in a non-conservative amino acid change in the encoded protein sequence. Algorithms developed to predict the effect of missense changes on protein structure and function all suggest that this variant is likely to be disruptive. The variant allele was found at a frequency of 1.2e-05 in 251154 control chromosomes. The available data on variant occurrences in the general population are insufficient to allow any conclusion about variant significance. To our knowledge, no occurrence of c.8000C>T in individuals affected with KMT2C-related conditions and no experimental evidence demonstrating its impact on protein function have been reported. ClinVar contains an entry for this variant (Variation ID: 4623087). Based on the evidence outlined above, the variant was classified as uncertain significance.

Ambry Genetics
Classification: Uncertain significance for Inborn genetic diseases. Last evaluated: 2025-12-11. Review status: criteria provided, single submitter. Criteria: Ambry Variant Classification Scheme 2023. Collection method: clinical testing. Allele origin: germline.